The following is an entry in ClinVar:

ClinVar aggregate classification (germline): Uncertain significance (1 of 4 stars; one submission).

Conditions:
Hereditary spastic paraplegia 11. Also called: SPASTIC PARAPLEGIA, AUTOSOMAL RECESSIVE, COMPLICATED, WITH THIN CORPUS CALLOSUM; SPASTIC PARAPLEGIA, AUTOSOMAL RECESSIVE, WITH MENTAL IMPAIRMENT AND THIN CORPUS CALLOSUM; Spastic paraplegia, mental retardation and thin corpus callosum; Spastic Paraplegia 11; Nakamura Osame syndrome; Autosomal recessive hereditary spastic paraplegia, mental impairment, and thin corpus callosum. Identifiers: Orphanet 2822, MedGen C1858479, MONDO:0011445, OMIM 604360.

gnomAD v4.1: 2 of 1,613,840 alleles (0.00012%); highest among the groups gnomAD compares: Admixed American, 0.0033%; no homozygotes.

Submission:

Labcorp Genetics (formerly Invitae), Labcorp
Classification: Uncertain significance for Hereditary spastic paraplegia 11. Last evaluated: 2022-04-01. Review status: criteria provided, single submitter. Criteria: Invitae Variant Classification Sherloc (09022015). Collection method: clinical testing. Allele origin: germline.
Comment: This sequence change replaces arginine, which is basic and polar, with proline, which is neutral and non-polar, at codon 1805 of the SPG11 protein (p.Arg1805Pro). This variant is not present in population databases (gnomAD no frequency). In summary, the available evidence is currently insufficient to determine the role of this variant in disease. Therefore, it has been classified as a Variant of Uncertain Significance. Algorithms developed to predict the effect of missense changes on protein structure and function are either unavailable or do not agree on the potential impact of this missense change (SIFT: "Deleterious"; PolyPhen-2: "Probably Damaging"; Align-GVGD: "Class C15"). This variant has not been reported in the literature in individuals affected with SPG11-related conditions.

NM_025137.4(SPG11):c.5414G>C (p.Arg1805Pro)

Gene: SPG11 (SPG11 vesicle trafficking associated, spatacsin; minus strand). Cytogenetic location: 15q21.1.
Variant type: single nucleotide variant.
Coding change: c.5414G>C on transcript NM_025137.4 (MANE Select); coding-DNA position 5414, G replaced by C.
Protein change: p.Arg1805Pro; replaces arginine 1805 with proline.
Molecular consequence: missense variant.
Genome position (GRCh38, 1-based): chr15:44,584,266, C>G on the plus strand (G>C on the coding strand, the complement: SPG11 is on the minus strand). VCF-style: chr15-44584266-C-G. GRCh37 (hg19) VCF-style: chr15-44876464-C-G.
Other names: c.5414G>C, p.Arg1805Pro (NM_001160227.2); c.5270G>C, p.Arg1757Pro (NM_001411132.1); short protein forms R1757P, R1805P.
Identifiers: ClinVar variation 1896712 (VCV001896712.5), dbSNP rs775768037, ClinGen allele CA392222594.
Genomic context (GRCh38, chr15:44,584,266, plus strand): 5'-TGTCGAGAAAATCTGGGCTCTGTTTCCTCCTGATTTCTTCCAAGAGTGTGCTGGGTGATG[C>G]GGCACAGCCAGATCTGCTTCTCCAGCTCCTCCAGCTTATCCAAGGGCACCACGTCCTCCT-3'
Protein context (NP_079413.3, residues 1795-1815): EELEKQIWLC[Arg1805Pro]ITQHTLGRNQ